The following is an entry in ClinVar:

ClinVar aggregate classification (germline): Uncertain significance. Review status: criteria provided, multiple submitters, no conflicts (2 of 4 stars). 4 submissions from 4 submitters: Uncertain significance (4). Last evaluated 2024-03-01.

Conditions:
Inborn genetic diseases. Identifiers: MedGen C0950123, MeSH D030342.
Nemaline myopathy 2 (NEM2). Also called: Nemaline myopathy 2, autosomal recessive. Identifiers: MedGen C1850569, MONDO:0009725, OMIM 256030.

Allele frequency attached by ClinVar (database versions not stated): gnomAD exomes 0.00002; gnomAD 0.00003; TOPMed 0.00004.
gnomAD v4.1: 30 of 1,613,840 alleles (0.0019%); highest among the groups gnomAD compares: Non-Finnish European, 0.0025%; no homozygotes.

Submissions (4):

Ambry Genetics
Classification: Uncertain significance for Inborn genetic diseases. Last evaluated: 2024-03-01. Review status: criteria provided, single submitter. Criteria: Ambry Variant Classification Scheme 2023. Collection method: clinical testing. Allele origin: germline.

Revvity Omics, Revvity
Classification: Uncertain significance. Last evaluated: 2023-05-10. Review status: criteria provided, single submitter. Criteria: ACMG Guidelines, 2015. Collection method: clinical testing. Allele origin: germline.

GeneDx
Classification: Uncertain significance. Last evaluated: 2022-11-15. Review status: criteria provided, single submitter. Criteria: GeneDx Variant Classification Process June 2021. Collection method: clinical testing. Allele origin: germline. Affected: yes.
Comment: Not observed at significant frequency in large population cohorts (gnomAD); In silico analysis supports that this missense variant does not alter protein structure/function; Has not been previously published as pathogenic or benign to our knowledge

Labcorp Genetics (formerly Invitae), Labcorp
Classification: Uncertain significance for Nemaline myopathy 2. Last evaluated: 2021-08-26. Review status: criteria provided, single submitter. Criteria: Invitae Variant Classification Sherloc (09022015). Collection method: clinical testing. Allele origin: germline.
Comment: This sequence change replaces aspartic acid with glycine at codon 1221 of the NEB protein (p.Asp1221Gly). The aspartic acid residue is moderately conserved and there is a moderate physicochemical difference between aspartic acid and glycine. This variant is not present in population databases (ExAC no frequency). This variant has not been reported in the literature in individuals affected with NEB-related conditions. Algorithms developed to predict the effect of missense changes on protein structure and function are either unavailable or do not agree on the potential impact of this missense change (SIFT: "Deleterious"; PolyPhen-2: "Not Available"; Align-GVGD: "Class C0"). In summary, the available evidence is currently insufficient to determine the role of this variant in disease. Therefore, it has been classified as a Variant of Uncertain Significance.

NM_001164508.2(NEB):c.3662A>G (p.Asp1221Gly)

Gene: NEB (nebulin; minus strand). Cytogenetic location: 2q23.3.
Variant type: single nucleotide variant.
Coding change: c.3662A>G on transcript NM_001164508.2 (MANE Select); coding-DNA position 3662, A replaced by G.
Protein change: p.Asp1221Gly; replaces aspartic acid 1221 with glycine.
Molecular consequence: missense variant.
Genome position (GRCh38, 1-based): chr2:151,677,677, T>C on the plus strand (A>G on the coding strand, the complement: NEB is on the minus strand). VCF-style: chr2-151677677-T-C. GRCh37 (hg19) VCF-style: chr2-152534191-T-C.
Other names: c.3662A>G (NM_004543.4); c.3662A>G, p.Asp1221Gly (NM_001164507.2, NM_001271208.2, NM_004543.5); short protein forms D1221G.
Identifiers: ClinVar variation 1929385 (VCV001929385.7), dbSNP rs773587392, ClinGen allele CA57657342.